The following is an entry in ClinVar:

ClinVar aggregate classification (germline): Benign (1 of 4 stars; one submission).

Conditions:
Multiple endocrine neoplasia type 2A. Also called: Multiple Endocrine Neoplasia Type 2A (MEN2A); MULTIPLE ENDOCRINE NEOPLASIA, TYPE IIA; PTC SYNDROME; SIPPLE SYNDROME; MEN 2A; MEN-2A syndrome. Identifiers: Orphanet 247698, Orphanet 653, MedGen C0025268, MeSH D018813, MONDO:0008234, OMIM 171400.

Submission:

Myriad Genetics, Inc.
Classification: Benign for Multiple endocrine neoplasia type 2A. Last evaluated: 2025-02-26. Review status: criteria provided, single submitter. Criteria: Myriad Autosomal Dominant, Autosomal Recessive and X-Linked Classification Criteria (2023). Collection method: clinical testing. Allele origin: unknown.
Comment: This variant is considered benign. This variant is a silent/synonymous amino acid change and it is not expected to impact splicing.

NM_020975.6(RET):c.2076C>T (p.Ala692=)

Gene: RET (ret proto-oncogene; plus strand). Cytogenetic location: 10q11.21.
Variant type: single nucleotide variant.
Coding change: c.2076C>T on transcript NM_020975.6 (MANE Select); coding-DNA position 2076, C replaced by T.
Protein change: p.Ala692=; no amino-acid change (alanine 692 retained).
Molecular consequence: synonymous variant.
Genome position (GRCh38, 1-based): chr10:43,114,676, C>T. VCF-style: chr10-43114676-C-T. GRCh37 (hg19) VCF-style: chr10-43610124-C-T.
Other names: c.1314C>T, p.Ala438= (NM_001355216.2); c.2076C>T, p.Ala692= (NM_001406743.1, NM_001406744.1, NM_001406759.1 and 2 more transcripts); c.1947C>T, p.Ala649= (NM_001406761.1, NM_001406762.1, NM_001406764.1); c.1941C>T, p.Ala647= (NM_001406763.1, NM_001406765.1); c.1788C>T, p.Ala596= (NM_001406766.1, NM_001406767.1, NM_001406770.1); c.1812C>T, p.Ala604= (NM_001406768.1); c.1680C>T, p.Ala560= (NM_001406769.1, NM_001406772.1); c.1638C>T, p.Ala546= (NM_001406771.1, NM_001406773.1); and 10 more.
Identifiers: ClinVar variation 3904623 (VCV003904623.1).